The following is an entry in ClinVar:

NM_000051.4(ATM):c.6040G>C (p.Glu2014Gln)

Genes: ATM (ATM serine/threonine kinase; plus strand), C11orf65 (chromosome 11 open reading frame 65; minus strand). Cytogenetic location: 11q22.3.
Variant type: single nucleotide variant.
Coding change: c.6040G>C on transcript NM_000051.4 (MANE Select); coding-DNA position 6040, G replaced by C.
Protein change: p.Glu2014Gln; replaces glutamic acid 2014 with glutamine.
Molecular consequence: missense variant. On other transcripts: intron variant (2).
Genome position (GRCh38, 1-based): chr11:108,315,856, G>C. VCF-style: chr11-108315856-G-C. GRCh37 (hg19) VCF-style: chr11-108186583-G-C.
Other names: c.6040G>C, p.Glu2014Gln (NM_001351834.2); c.641-6785C>G (NM_001330368.2); c.*39-6785C>G (NM_001351110.2); short protein forms E2014Q.
Identifiers: ClinVar variation 185967 (VCV000185967.20), dbSNP rs375783941, ClinGen allele CA193518.
Genomic context (GRCh38, chr11:108,315,856, plus strand): 5'-CAATTTTTGTTGTTTCCATGTTTTCAGGATCTTCTCTTAGAAATCTACAGAAGTATAGGG[G>C]AGCCAGATAGTTTGTATGGCTGTGGTGGAGGGAAGATGTTACAACCCATTACTAGGTAAA-3'
Protein context (NP_000042.3, residues 2004-2024): LLLEIYRSIG[Glu2014Gln]PDSLYGCGGG

ClinVar aggregate classification (germline): Uncertain significance. Review status: criteria provided, multiple submitters, no conflicts (2 of 4 stars). 7 submissions from 7 submitters: Uncertain significance (6). 1 of the submissions does not count toward it. Last evaluated 2025-05-30.

Conditions:
ATM-related disorder. Also called: ATM-related disorders; ATM-related condition.
Hereditary cancer-predisposing syndrome. Also called: Hereditary Cancer Syndrome; Tumor predisposition; Neoplastic Syndromes, Hereditary; Hereditary neoplastic syndrome. Identifiers: Orphanet 140162, MedGen C0027672, MeSH D009386, MONDO:0015356.
Familial cancer of breast. Also called: hereditary breast carcinoma; BREAST CANCER, FAMILIAL; Hereditary breast cancer. Identifiers: Orphanet 227535, MedGen C0346153, MONDO:0016419, OMIM 114480. Disease mechanism: loss of function.
Ataxia-telangiectasia syndrome (AT). Also called: ATAXIA-TELANGIECTASIA, COMPLEMENTATION GROUP A; ATAXIA-TELANGIECTASIA, FRESNO VARIANT; Ataxia-telangiectasia; Ataxia-telangiectasia, complementation group E; Cerebello-oculocutaneous telangiectasia; Immunodeficiency with ataxia telangiectasia. Identifiers: Orphanet 100, MedGen C0004135, MONDO:0008840, OMIM 208900.

Allele frequency attached by ClinVar (database versions not stated): TOPMed below 0.00001; ESP Exome Variant Server 0.00008.
gnomAD v4.1: 3 of 1,613,152 alleles (0.00019%); highest among the groups gnomAD compares: Non-Finnish European, 0.00025%; no homozygotes.

Submissions (7):

Labcorp Genetics (formerly Invitae), Labcorp
Classification: Uncertain significance for Ataxia-telangiectasia syndrome. Last evaluated: 2025-05-30. Review status: criteria provided, single submitter. Criteria: Invitae Variant Classification Sherloc (09022015). Collection method: clinical testing. Allele origin: germline.
Comment: This sequence change replaces glutamic acid, which is acidic and polar, with glutamine, which is neutral and polar, at codon 2014 of the ATM protein (p.Glu2014Gln). This variant is present in population databases (rs375783941, gnomAD 0.007%). This variant has not been reported in the literature in individuals affected with ATM-related conditions. ClinVar contains an entry for this variant (Variation ID: 185967). Invitae Evidence Modeling of protein sequence and biophysical properties (such as structural, functional, and spatial information, amino acid conservation, physicochemical variation, residue mobility, and thermodynamic stability) has been performed for this missense variant. However, the output from this modeling did not meet the statistical confidence thresholds required to predict the impact of this variant on ATM protein function. In summary, the available evidence is currently insufficient to determine the role of this variant in disease. Therefore, it has been classified as a Variant of Uncertain Significance.

Ambry Genetics
Classification: Uncertain significance for Hereditary cancer-predisposing syndrome. Last evaluated: 2023-12-19. Review status: criteria provided, single submitter. Criteria: Ambry Variant Classification Scheme 2023. Collection method: clinical testing. Allele origin: germline.
Comment: The p.E2014Q variant (also known as c.6040G>C), located in coding exon 40 of the ATM gene, results from a G to C substitution at nucleotide position 6040. The glutamic acid at codon 2014 is replaced by glutamine, an amino acid with highly similar properties. This amino acid position is highly conserved in available vertebrate species. In addition, the in silico prediction for this alteration is inconclusive. Since supporting evidence is limited at this time, the clinical significance of this alteration remains unclear.

Baylor Genetics
Classification: Uncertain significance for Familial cancer of breast. Last evaluated: 2023-05-10. Review status: criteria provided, single submitter. Criteria: ACMG Guidelines, 2015. Collection method: clinical testing. Allele origin: unknown.

Women's Health and Genetics/Laboratory Corporation of America, LabCorp
Classification: Uncertain significance. Last evaluated: 2023-04-27. Review status: criteria provided, single submitter. Criteria: LabCorp Variant Classification Summary - May 2015. Collection method: clinical testing. Allele origin: germline.

St. Jude Molecular Pathology, St. Jude Children's Research Hospital
Classification: Uncertain significance for Familial cancer of breast. Last evaluated: 2023-04-24. Review status: criteria provided, single submitter. Criteria: St. Jude Assertion Criteria 2020. Collection method: clinical testing. Allele origin: germline.
Comment: The ATM c.6040G>C (p.Glu2014Gln) missense has a maximum subpopulation frequency of 0.0062% in gnomAD v2.1.1. The in silico tool REVEL is inconclusive about a pathogenic or benign effect of this variant on protein function, and to our knowledge functional studies have not been performed. This variant is present 1x in a database of women older than 70 years of age who have never had cancer (FLOSSIES database). To our knowledge, this variant has not been reported in individuals with ATM-associated conditions. In summary, the evidence currently available is insufficient to determine the clinical significance of this variant. It has therefore been classified as of uncertain significance.

Color Diagnostics, LLC DBA Color Health
Classification: Uncertain significance for Hereditary cancer-predisposing syndrome. Last evaluated: 2022-09-19. Review status: criteria provided, single submitter. Criteria: ACMG Guidelines, 2015. Collection method: clinical testing. Allele origin: germline.
Comment: This missense variant replaces glutamic acid with glutamine at codon 2014 of the ATM protein. Computational prediction is inconclusive regarding the impact of this variant on protein structure and function (internally defined REVEL score threshold 0.5 < inconclusive < 0.7, PMID: 27666373). To our knowledge, functional studies have not been reported for this variant. This variant has not been reported in individuals affected with hereditary cancer in the literature. This variant has been identified in 1/251356 chromosomes in the general population by the Genome Aggregation Database (gnomAD). The available evidence is insufficient to determine the role of this variant in disease conclusively. Therefore, this variant is classified as a Variant of Uncertain Significance.

PreventionGenetics, part of Exact Sciences
Classification: Uncertain significance for ATM-related condition. Last evaluated: 2024-08-26. Review status: no assertion criteria provided. Collection method: clinical testing. Allele origin: germline. Not counted in ClinVar's aggregate classification.
Comment: The ATM c.6040G>C variant is predicted to result in the amino acid substitution p.Glu2014Gln. To our knowledge, this variant has not been reported in the literature. This variant is reported in 0.0062% of alleles in individuals of African descent in gnomAD. At this time, the clinical significance of this variant is uncertain due to the absence of conclusive functional and genetic evidence.